The following is an entry in ClinVar:

ClinVar aggregate classification (germline): Pathogenic (1 of 4 stars; one submission).

Conditions:
Familial thoracic aortic aneurysm and aortic dissection (TAAD). Also called: Thoracic aortic aneurysms and dissections. Identifiers: Orphanet 91387, MedGen C4707243, MONDO:0019625.
Marfan syndrome (MFS). Also called: Marfan syndrome type 1; Marfan syndrome, classic; Marfan's syndrome; FBN1-Related Marfan Syndrome; MARFAN SYNDROME, TYPE I. Identifiers: Orphanet 284963, Orphanet 558, MedGen C0024796, MONDO:0007947, OMIM 154700.

Submission:

Labcorp Genetics (formerly Invitae), Labcorp
Classification: Pathogenic for Marfan syndrome; Familial thoracic aortic aneurysm and aortic dissection. Last evaluated: 2024-09-06. Review status: criteria provided, single submitter. Criteria: Invitae Variant Classification Sherloc (09022015). Collection method: clinical testing. Allele origin: germline.
Comment: This sequence change replaces cysteine, which is neutral and slightly polar, with tyrosine, which is neutral and polar, at codon 2053 of the FBN1 protein (p.Cys2053Tyr). This variant is not present in population databases (gnomAD no frequency). This missense change has been observed in individuals with Marfan syndrome (PMID: 25652356; internal data). ClinVar contains an entry for this variant (Variation ID: 527145). Invitae Evidence Modeling of protein sequence and biophysical properties (such as structural, functional, and spatial information, amino acid conservation, physicochemical variation, residue mobility, and thermodynamic stability) indicates that this missense variant is expected to disrupt FBN1 protein function with a positive predictive value of 95%. This variant affects a cysteine residue in the EGF-like, TGFBP or hybrid motif domains of FBN1. Cysteine residues are believed to be involved in intramolecular disulfide bridges and have been shown to be important for FBN1 protein structure (PMID: 16905551, 19349279). In addition, missense substitutions affecting cysteine residues within these domains are significantly overrepresented among patients with Marfan syndrome (PMID: 16571647, 17701892). For these reasons, this variant has been classified as Pathogenic.

Literature cited by the submitters: PubMed 25652356; PubMed 16905551; PubMed 19349279; PubMed 16571647; PubMed 17701892.

NM_000138.5(FBN1):c.6158G>A (p.Cys2053Tyr)

Gene: FBN1 (fibrillin 1; minus strand). Cytogenetic location: 15q21.1.
Variant type: single nucleotide variant.
Coding change: c.6158G>A on transcript NM_000138.5 (MANE Select); coding-DNA position 6158, G replaced by A.
Protein change: p.Cys2053Tyr; replaces cysteine 2053 with tyrosine.
Molecular consequence: missense variant.
Genome position (GRCh38, 1-based): chr15:48,441,726, C>T on the plus strand (G>A on the coding strand, the complement: FBN1 is on the minus strand). VCF-style: chr15-48441726-C-T. GRCh37 (hg19) VCF-style: chr15-48733923-C-T.
Other names: short protein forms C2053Y.
Identifiers: ClinVar variation 527145 (VCV000527145.10), dbSNP rs363805, ClinGen allele CA392337901.